The following is an entry in ClinVar:

NM_000478.6(ALPL):c.772_773dup (p.Ser258fs)

Gene: ALPL (alkaline phosphatase, biomineralization associated; plus strand). Cytogenetic location: 1p36.12.
Variant type: Microsatellite.
Coding change: c.772_773dup on transcript NM_000478.6 (MANE Select); coding-DNA positions 772 to 773, 2 bases duplicated (AG; older notation c.772_773dupAG).
Protein change: p.Ser258fs; shifts the reading frame from serine 258.
Molecular consequence: frameshift variant.
Genome position (GRCh38, 1-based): chr1:21,568,227-21,568,228, AG duplicated; duplicating any 2 consecutive bases within chr1:21,568,225-21,568,228 gives the same sequence; the c. name uses the placement nearest the transcript's 3' end. VCF-style (leftmost placement, unchanged base first): chr1-21568224-A-AAG. GRCh37 (hg19) VCF-style: chr1-21894717-A-AAG.
Other names: c.607_608dup, p.Ser203fs (NM_001127501.4); c.541_542dup, p.Ser181fs (NM_001177520.3); c.772_773dup, p.Ser258fs (NM_001369803.2, NM_001369804.2, NM_001369805.2); short protein forms S181fs, S203fs, S258fs.
Identifiers: ClinVar variation 5014874 (VCV005014874.1).

ClinVar aggregate classification (germline): Pathogenic (1 of 4 stars; one submission).

Conditions:
Hypophosphatasia. Also called: Phosphoethanol-aminuria. Identifiers: Orphanet 436, MedGen C0020630, MeSH D007014, MONDO:0018570.

Submission:

Myriad Genetics, Inc.
Classification: Pathogenic for Hypophosphatasia. Last evaluated: 2025-08-16. Review status: criteria provided, single submitter. Criteria: Myriad Autosomal Dominant, Autosomal Recessive and X-Linked Classification Criteria (2023). Collection method: clinical testing. Allele origin: unknown.
Comment: NM_000478.4(ALPL):c.772_773dupAG(S258Rfs*20) is expected to be pathogenic in the context of hypophosphatasia. This variant is predicted to lead to an abnormal or absent protein product due to the creation of a premature termination codon in ALPL, a gene where loss-of-function variants are known to be pathogenic. Please note: this variant was assessed in the context of healthy population screening.